The following is an entry in ClinVar:

NM_022164.3(TINAGL1):c.717C>T (p.Ser239=)

Gene: TINAGL1 (tubulointerstitial nephritis antigen like 1; plus strand). Cytogenetic location: 1p35.2.
Variant type: single nucleotide variant.
Coding change: c.717C>T on transcript NM_022164.3 (MANE Select); coding-DNA position 717, C replaced by T.
Protein change: p.Ser239=; no amino-acid change (serine 239 retained).
Molecular consequence: synonymous variant.
Genome position (GRCh38, 1-based): chr1:31,584,896, C>T. VCF-style: chr1-31584896-C-T. GRCh37 (hg19) VCF-style: chr1-32050497-C-T.
Other names: c.624C>T, p.Ser208= (NM_001204414.2); c.402C>T, p.Ser134= (NM_001204415.2).
Identifiers: ClinVar variation 2638603 (VCV002638603.24), dbSNP rs772529267, ClinGen allele CA731597.
Genomic context (GRCh38, chr1:31,584,896, plus strand): 5'-GAGGGCCAAGTCCTGAGCCTCCCGACAGCCCCTCTATCTCACCCCACCAGCTGTGGCATC[C>T]GATCGTGTCTCAATCCATTCTCTGGGACACATGACGCCTGTCCTGTCGCCCCAGAACCTG-3'
Protein context (NP_071447.1, residues 229-249): SWAFSTAAVA[Ser239=]DRVSIHSLGH

ClinVar aggregate classification (germline): Likely benign (1 of 4 stars; one submission).

Allele frequency attached by ClinVar (database versions not stated): gnomAD exomes 0.00004; gnomAD 0.00011; TOPMed 0.00014; ExAC 0.00031.

Submission:

CeGaT Center for Human Genetics Tuebingen
Classification: Likely benign. Last evaluated: 2022-11-01. Review status: criteria provided, single submitter. Criteria: CeGaT Center For Human Genetics Tuebingen Variant Classification Criteria Version 2. Collection method: clinical testing. Allele origin: germline. Affected: yes. Observed: 1 variant allele.
Comment: TINAGL1: BP4, BP7